The following is an entry in ClinVar:

ClinVar aggregate classification (germline): Uncertain significance (1 of 4 stars; one submission).

Submission:

Ambry Genetics
Classification: Uncertain significance. Last evaluated: 2022-01-15. Review status: criteria provided, single submitter. Criteria: Ambry Variant Classification Scheme 2023. Collection method: clinical testing. Allele origin: germline.
Comment: The p.C50G variant (also known as c.148T>G), located in coding exon 1 of the EGLN2 gene, results from a T to G substitution at nucleotide position 148. The cysteine at codon 50 is replaced by glycine, an amino acid with highly dissimilar properties. This amino acid position is conserved. In addition, this alteration is predicted to be tolerated by in silico analysis. Since supporting evidence is limited at this time, the clinical significance of this alteration remains unclear.

NM_080732.4(EGLN2):c.148T>G (p.Cys50Gly)

Genes: EGLN2 (egl-9 family hypoxia inducible factor 2; plus strand), RAB4B-EGLN2 (RAB4B-EGLN2 readthrough (NMD candidate); plus strand). Cytogenetic location: 19q13.2.
Variant type: single nucleotide variant.
Coding change: c.148T>G on transcript NM_080732.4 (MANE Select); coding-DNA position 148, T replaced by G.
Protein change: p.Cys50Gly; replaces cysteine 50 with glycine.
Molecular consequence: missense variant. On other transcripts: non-coding transcript variant (1).
Genome position (GRCh38, 1-based): chr19:40,800,720, T>G. VCF-style: chr19-40800720-T-G. GRCh37 (hg19) VCF-style: chr19-41306625-T-G.
Other names: c.148T>G, p.Cys50Gly (NM_053046.4); short protein forms C50G.
Identifiers: ClinVar variation 1773760 (VCV001773760.2), dbSNP rs2481956904, ClinGen allele CA405954658.
Genomic context (GRCh38, chr19:40,800,720, plus strand): 5'-GGCCGGGCCAGGATGGGAGTGGAGAGTTACCTGCCCTGTCCCCTGCTCCCCTCCTACCAC[T>G]GTCCAGGAGTGCCTAGTGAGGCCTCGGCAGGGAGTGGGACCCCCAGAGCCACAGCCACCT-3'
Protein context (NP_542770.2, residues 40-60): LPCPLLPSYH[Cys50Gly]PGVPSEASAG